The following is an entry in ClinVar:

NM_000179.3(MSH6):c.1426A>T (p.Lys476Ter)

Gene: MSH6 (mutS homolog 6; plus strand). Cytogenetic location: 2p16.3.
Variant type: single nucleotide variant.
Coding change: c.1426A>T on transcript NM_000179.3 (MANE Select); coding-DNA position 1426, A replaced by T.
Protein change: p.Lys476Ter; replaces lysine 476 with a stop codon.
Molecular consequence: nonsense. On other transcripts: non-coding transcript variant (4), intron variant (1).
Genome position (GRCh38, 1-based): chr2:47,799,409, A>T. VCF-style: chr2-47799409-A-T. GRCh37 (hg19) VCF-style: chr2-48026548-A-T.
Other names: c.1036A>T, p.Lys346Ter (NM_001281492.2); c.520A>T, p.Lys174Ter (NM_001281493.2, NM_001281494.2, NM_001406811.1 and 6 more transcripts); c.1522A>T, p.Lys508Ter (NM_001406795.1, NM_001406802.1); c.1426A>T, p.Lys476Ter (NM_001406796.1, NM_001406798.1, NM_001406817.1 and 4 more transcripts); c.1129A>T, p.Lys377Ter (NM_001406797.1, NM_001406818.1, NM_001406819.1 and 10 more transcripts); c.901A>T, p.Lys301Ter (NM_001406799.1, NM_001406806.1, NM_001406807.1); c.1432A>T, p.Lys478Ter (NM_001406813.1); c.628-1257A>T (NM_001407362.1); and 2 more; short protein forms K174*, K301*, K420*, K450*, K476*, K377*, K346*, K478*.
Identifiers: ClinVar variation 2752691 (VCV002752691.4), dbSNP rs1229494027, ClinGen allele CA346745439.

ClinVar aggregate classification (germline): Pathogenic. Review status: criteria provided, multiple submitters, no conflicts (2 of 4 stars). 2 submissions from 2 submitters: Pathogenic (2). Last evaluated 2026-03-20.

Conditions:
Hereditary nonpolyposis colorectal neoplasms. Identifiers: MedGen C0009405, MeSH D003123.
Hereditary cancer-predisposing syndrome. Also called: Tumor predisposition; Hereditary neoplastic syndrome; Neoplastic Syndromes, Hereditary; Hereditary Cancer Syndrome. Identifiers: Orphanet 140162, MedGen C0027672, MeSH D009386, MONDO:0015356.

Submissions (2):

Ambry Genetics
Classification: Pathogenic for Hereditary cancer-predisposing syndrome. Last evaluated: 2026-03-20. Review status: criteria provided, single submitter. Criteria: Ambry Variant Classification Scheme 2023. Collection method: clinical testing. Allele origin: germline.
Comment: The p.K476* pathogenic mutation (also known as c.1426A>T), located in coding exon 4 of the MSH6 gene, results from an A to T substitution at nucleotide position 1426. This changes the amino acid from a lysine to a stop codon within coding exon 4. This variant is considered to be rare based on population cohorts in the Genome Aggregation Database (gnomAD). This alteration is expected to result in loss of function by premature protein truncation or nonsense-mediated mRNA decay. As such, this alteration is interpreted as a disease-causing mutation.

Labcorp Genetics (formerly Invitae), Labcorp
Classification: Pathogenic for Hereditary nonpolyposis colorectal neoplasms. Last evaluated: 2023-09-03. Review status: criteria provided, single submitter. Criteria: Invitae Variant Classification Sherloc (09022015). Collection method: clinical testing. Allele origin: germline.
Comment: For these reasons, this variant has been classified as Pathogenic. This variant has not been reported in the literature in individuals affected with MSH6-related conditions. This variant is not present in population databases (gnomAD no frequency). This sequence change creates a premature translational stop signal (p.Lys476*) in the MSH6 gene. It is expected to result in an absent or disrupted protein product. Loss-of-function variants in MSH6 are known to be pathogenic (PMID: 18269114, 24362816).

Literature cited by the submitters: PubMed 18269114 (cited by Labcorp Genetics (formerly Invitae), Labcorp); PubMed 24362816 (cited by Labcorp Genetics (formerly Invitae), Labcorp).